The following is an entry in ClinVar:

NM_001854.4(COL11A1):c.3385-8A>C

Gene: COL11A1 (collagen type XI alpha 1 chain; minus strand). Cytogenetic location: 1p21.1.
Variant type: single nucleotide variant.
Coding change: c.3385-8A>C on transcript NM_001854.4 (MANE Select); 8 bases into the intron before coding-DNA position 3385, A replaced by C.
Molecular consequence: intron variant.
Genome position (GRCh38, 1-based): chr1:102,939,096, T>G on the plus strand (A>C on the coding strand, the complement: COL11A1 is on the minus strand). VCF-style: chr1-102939096-T-G. GRCh37 (hg19) VCF-style: chr1-103404652-T-G.
Other names: c.3268-8A>C (NM_001190709.2); c.3421-8A>C (NM_080629.3); c.3037-8A>C (NM_080630.4); c.3385-8A>C (NM_001854.3).
Identifiers: ClinVar variation 2996012 (VCV002996012.5), dbSNP rs1308681005, ClinGen allele CA524892108.
Genomic context (GRCh38, chr1:102,939,096, plus strand): 5'-TTTTCTCCCTTGTCACCCTTGCTGCCTTTTTGTCCCGGCTCACCAATTTCACCCTGAAAT[T>G]GAAAGATTTGACTTAGAGTTTATCTCTAACATGCTATTGCATTGTCTTAATTATCATCAA-3'

ClinVar aggregate classification (germline): Likely benign. Review status: criteria provided, single submitter (1 of 4 stars). 2 submissions from 2 submitters: Likely benign (1). 1 of the submissions does not count toward it. Last evaluated 2024-01-01.

Conditions:
COL11A1-related disorder. Also called: COL11A1-related disorders; COL11A1-related condition.

Allele frequency attached by ClinVar (database versions not stated): gnomAD exomes 0.00001.
gnomAD v4.1: 10 of 1,613,044 alleles (0.00062%); highest among the groups gnomAD compares: Non-Finnish European, 0.00076%; no homozygotes.

Submissions (2):

Labcorp Genetics (formerly Invitae), Labcorp
Classification: Likely benign. Last evaluated: 2024-01-01. Review status: criteria provided, single submitter. Criteria: Invitae Variant Classification Sherloc (09022015). Collection method: clinical testing. Allele origin: germline.

PreventionGenetics, part of Exact Sciences
Classification: Likely benign for COL11A1-related condition. Last evaluated: 2020-10-13. Review status: no assertion criteria provided. Collection method: clinical testing. Allele origin: germline. Not counted in ClinVar's aggregate classification.
Comment: This variant is classified as likely benign based on ACMG/AMP sequence variant interpretation guidelines (Richards et al. 2015 PMID: 25741868, with internal and published modifications).